The following is an entry in ClinVar:

NM_003823.4(TNFRSF6B):c.736C>A (p.Pro246Thr)

Genes: RTEL1-TNFRSF6B (RTEL1-TNFRSF6B readthrough (NMD candidate); plus strand), TNFRSF6B (TNF receptor superfamily member 6b; plus strand). Cytogenetic location: 20q13.33.
Variant type: single nucleotide variant.
Coding change: c.736C>A on transcript NM_003823.4 (MANE Select); coding-DNA position 736, C replaced by A.
Protein change: p.Pro246Thr; replaces proline 246 with threonine.
Molecular consequence: missense variant. On other transcripts: non-coding transcript variant (1).
Genome position (GRCh38, 1-based): chr20:63,698,396, C>A. VCF-style: chr20-63698396-C-A. GRCh37 (hg19) VCF-style: chr20-62329749-C-A.
Other names: short protein forms P246T.
Identifiers: ClinVar variation 4762120 (VCV004762120.1).
Genomic context (GRCh38, chr20:63,698,396, plus strand): 5'-ATCAAGAGGCTGCAGCGGCTGCTGCAGGCCCTCGAGGCCCCGGAGGGCTGGGGTCCGACA[C>A]CAAGGGCGGGCCGCGCGGCCTTGCAGCTGAAGCTGCGTCGGCGGCTCACGGAGCTCCTGG-3'
Protein context (NP_003814.1, residues 236-256): LEAPEGWGPT[Pro246Thr]RAGRAALQLK

ClinVar aggregate classification (germline): Uncertain significance (1 of 4 stars; one submission).

Submission:

Labcorp Genetics (formerly Invitae), Labcorp
Classification: Uncertain significance. Last evaluated: 2025-06-04. Review status: criteria provided, single submitter. Criteria: Invitae Variant Classification Sherloc (09022015). Collection method: clinical testing. Allele origin: germline.
Comment: This sequence change replaces proline, which is neutral and non-polar, with threonine, which is neutral and polar, at codon 246 of the TNFRSF6B protein (p.Pro246Thr). This variant is not present in population databases (gnomAD no frequency). This variant has not been reported in the literature in individuals affected with TNFRSF6B-related conditions. An algorithm developed to predict the effect of missense changes on protein structure and function outputs the following: PolyPhen-2: "Benign". The threonine amino acid residue is found in multiple mammalian species, which suggests that this missense change does not adversely affect protein function. In summary, the available evidence is currently insufficient to determine the role of this variant in disease. Therefore, it has been classified as a Variant of Uncertain Significance.